The following is an entry in ClinVar:

ClinVar aggregate classification (germline): Uncertain significance (1 of 4 stars; one submission).

Allele frequency attached by ClinVar (database versions not stated): TOPMed 0.00001; gnomAD exomes below 0.00001; gnomAD 0.00001.
gnomAD v4.1: 5 of 1,612,038 alleles (0.00031%); highest among the groups gnomAD compares: Non-Finnish European, 0.00042%; no homozygotes.

Submission:

Labcorp Genetics (formerly Invitae), Labcorp
Classification: Uncertain significance. Last evaluated: 2022-05-20. Review status: criteria provided, single submitter. Criteria: Invitae Variant Classification Sherloc (09022015). Collection method: clinical testing. Allele origin: germline.
Comment: This sequence change replaces alanine, which is neutral and non-polar, with threonine, which is neutral and polar, at codon 277 of the GABRB1 protein (p.Ala277Thr). In summary, the available evidence is currently insufficient to determine the role of this variant in disease. Therefore, it has been classified as a Variant of Uncertain Significance. Advanced modeling of protein sequence and biophysical properties (such as structural, functional, and spatial information, amino acid conservation, physicochemical variation, residue mobility, and thermodynamic stability) performed at Invitae indicates that this missense variant is expected to disrupt GABRB1 protein function. This variant has not been reported in the literature in individuals affected with GABRB1-related conditions. This variant is present in population databases (no rsID available, gnomAD 0.0009%).

NM_000812.4(GABRB1):c.829G>A (p.Ala277Thr)

Gene: GABRB1 (gamma-aminobutyric acid type A receptor subunit beta1; plus strand). Cytogenetic location: 4p12.
Variant type: single nucleotide variant.
Coding change: c.829G>A on transcript NM_000812.4 (MANE Select); coding-DNA position 829, G replaced by A.
Protein change: p.Ala277Thr; replaces alanine 277 with threonine.
Molecular consequence: missense variant.
Genome position (GRCh38, 1-based): chr4:47,403,705, G>A. VCF-style: chr4-47403705-G-A. GRCh37 (hg19) VCF-style: chr4-47405722-G-A.
Other names: short protein forms A277T.
Identifiers: ClinVar variation 2066741 (VCV002066741.4), dbSNP rs1448346225, ClinGen allele CA356811002.